The following is an entry in ClinVar:

NM_001003722.2(GLE1):c.2007dup (p.Arg670fs)

Genes: GLE1 (GLE1 RNA export mediator; plus strand), LOC101929270 (uncharacterized LOC101929270; minus strand). Cytogenetic location: 9q34.11.
Variant type: Duplication.
Coding change: c.2007dup on transcript NM_001003722.2 (MANE Select); coding-DNA position 2007, one base duplicated (A; older notation c.2007dupA).
Protein change: p.Arg670fs; shifts the reading frame from arginine 670.
Molecular consequence: frameshift variant.
Genome position (GRCh38, 1-based): chr9:128,540,317, A duplicated. VCF-style (leftmost placement, unchanged base first): chr9-128540316-T-TA. GRCh37 (hg19) VCF-style: chr9-131302595-T-TA.
Other names: c.2034dup, p.Arg679fs (NM_001411013.1); short protein forms R670fs, R679fs.
Identifiers: ClinVar variation 2770034 (VCV002770034.3), dbSNP rs762813218, ClinGen allele CA5264030.

ClinVar aggregate classification (germline): Pathogenic (1 of 4 stars; one submission).

Allele frequency attached by ClinVar (database versions not stated): gnomAD exomes below 0.00001; ExAC 0.00001.

Submission:

Labcorp Genetics (formerly Invitae), Labcorp
Classification: Pathogenic. Last evaluated: 2023-10-18. Review status: criteria provided, single submitter. Criteria: Invitae Variant Classification Sherloc (09022015). Collection method: clinical testing. Allele origin: germline.
Comment: This sequence change results in a frameshift in the GLE1 gene (p.Arg670Thrfs*77). While this is not anticipated to result in nonsense mediated decay, it is expected to disrupt the last 29 amino acid(s) of the GLE1 protein and extend the protein by 47 additional amino acid residues. This variant is present in population databases (rs762813218, gnomAD 0.003%). This variant has not been reported in the literature in individuals affected with GLE1-related conditions. This variant disrupts a region of the GLE1 protein in which other variant(s) (p.Ile684Thr) have been determined to be pathogenic (PMID: 18204449, 28657126). This suggests that this is a clinically significant region of the protein, and that variants that disrupt it are likely to be disease-causing. For these reasons, this variant has been classified as Pathogenic.

Literature cited by the submitters: PubMed 18204449; PubMed 28657126.